The following is an entry in ClinVar:

NM_014845.6(FIG4):c.1187C>G (p.Ala396Gly)

Gene: FIG4 (FIG4 phosphoinositide 5-phosphatase; plus strand). Cytogenetic location: 6q21.
Variant type: single nucleotide variant.
Coding change: c.1187C>G on transcript NM_014845.6 (MANE Select); coding-DNA position 1187, C replaced by G.
Protein change: p.Ala396Gly; replaces alanine 396 with glycine.
Molecular consequence: missense variant.
Genome position (GRCh38, 1-based): chr6:109,760,299, C>G. VCF-style: chr6-109760299-C-G. GRCh37 (hg19) VCF-style: chr6-110081502-C-G.
Other names: short protein forms A396G.
Identifiers: ClinVar variation 639123 (VCV000639123.7), dbSNP rs758599286, ClinGen allele CA3956010.
Genomic context (GRCh38, chr6:109,760,299, plus strand): 5'-TTTTGATAAAGGAACGAGAGAAAAGAAAGCATGAAAGAATTCTGAGTGAAGAACTTGTTG[C>G]TGCTGTGACCTATCTCAACCAATTTTTGCCTCCTGAGCACACTATTGTTTATATTCCCTG-3'
Protein context (NP_055660.1, residues 386-406): HERILSEELV[Ala396Gly]AVTYLNQFLP

ClinVar aggregate classification (germline): Uncertain significance. Review status: criteria provided, multiple submitters, no conflicts (2 of 4 stars). 3 submissions from 3 submitters: Uncertain significance (3). Last evaluated 2025-10-01.

Conditions:
Inborn genetic diseases. Identifiers: MedGen C0950123, MeSH D030342.
Charcot-Marie-Tooth disease type 4. Also called: Charcot-Marie-Tooth disease, type IV; Charcot-Marie-Tooth, Type 4. Identifiers: Orphanet 64749, MedGen C4082197, MONDO:0018995.

Allele frequency attached by ClinVar (database versions not stated): TOPMed 0.00004; gnomAD 0.00006.
gnomAD v4.1: 20 of 1,613,090 alleles (0.0012%); highest among the groups gnomAD compares: African/African-American, 0.0053%; no homozygotes.

Submissions (3):

Labcorp Genetics (formerly Invitae), Labcorp
Classification: Uncertain significance for Charcot-Marie-Tooth disease type 4. Last evaluated: 2025-10-01. Review status: criteria provided, single submitter. Criteria: Invitae Variant Classification Sherloc (09022015). Collection method: clinical testing. Allele origin: germline.
Comment: This sequence change replaces alanine, which is neutral and non-polar, with glycine, which is neutral and non-polar, at codon 396 of the FIG4 protein (p.Ala396Gly). This variant is present in population databases (rs758599286, gnomAD 0.01%). This variant has not been reported in the literature in individuals affected with FIG4-related conditions. ClinVar contains an entry for this variant (Variation ID: 639123). An algorithm developed to predict the effect of missense changes on protein structure and function (PolyPhen-2) suggests that this variant is likely to be tolerated. In summary, the available evidence is currently insufficient to determine the role of this variant in disease. Therefore, it has been classified as a Variant of Uncertain Significance.

Athena Diagnostics
Classification: Uncertain significance. Last evaluated: 2025-03-12. Review status: criteria provided, single submitter. Criteria: Athena Diagnostics Criteria. Collection method: clinical testing. Allele origin: unknown.
Comment: Available data are insufficient to determine the clinical significance of the variant at this time. The frequency of this variant in the general population is uninformative in assessment of its pathogenicity. Polyphen and MutationTaster predict this amino acid change may be benign.

Ambry Genetics
Classification: Uncertain significance for Inborn genetic diseases. Last evaluated: 2021-07-22. Review status: criteria provided, single submitter. Criteria: Ambry Variant Classification Scheme 2023. Collection method: clinical testing. Allele origin: germline.
Comment: The p.A396G variant (also known as c.1187C>G), located in coding exon 11 of the FIG4 gene, results from a C to G substitution at nucleotide position 1187. The alanine at codon 396 is replaced by glycine, an amino acid with similar properties. This amino acid position is conserved. In addition, this alteration is predicted to be tolerated by in silico analysis. Since supporting evidence is limited at this time, the clinical significance of this alteration remains unclear.

Literature cited by the submitters: PubMed 25614874 (cited by Athena Diagnostics).